The following is an entry in ClinVar:

NM_001851.6(COL9A1):c.1668_1671dup (p.Pro558Ter)

Gene: COL9A1 (collagen type IX alpha 1 chain; minus strand). Cytogenetic location: 6q13.
Variant type: Duplication.
Coding change: c.1668_1671dup on transcript NM_001851.6 (MANE Select); coding-DNA positions 1668 to 1671, 4 bases duplicated (TGAA; older notation c.1668_1671dupTGAA).
Protein change: p.Pro558Ter; replaces proline 558 with a stop codon.
Molecular consequence: nonsense. On other transcripts: non-coding transcript variant (1).
Genome position (GRCh38, 1-based): chr6:70,254,524-70,254,527, TTCA duplicated on the plus strand (TGAA on the coding strand, the reverse complement: COL9A1 is on the minus strand). VCF-style (leftmost placement, unchanged base first): chr6-70254523-G-GTTCA. GRCh37 (hg19) VCF-style: chr6-70964226-G-GTTCA.
Other names: c.969_972dup, p.Pro325Ter (NM_001377289.1); c.939_942dup, p.Pro315Ter (NM_001377290.1, NM_078485.4); short protein forms P315*, P325*, P558*.
Identifiers: ClinVar variation 1070343 (VCV001070343.7), dbSNP rs2127576361, ClinGen allele CA2499218510.
Genomic context (GRCh38, chr6:70,254,523, plus strand): 5'-ATCAAATACTTACTGGTAACCCCTGCAATCCTGCATCACCAGGAGGCCCAGGTTTTCCTG[G>GTTCA]TTCACCCTGCAAAAAAAGCTTTTATCACATGATTGAACCTGTATGAGCTGCTGTATTTCT-3'

ClinVar aggregate classification (germline): Pathogenic (1 of 4 stars; one submission).

Submission:

Labcorp Genetics (formerly Invitae), Labcorp
Classification: Pathogenic. Last evaluated: 2022-07-05. Review status: criteria provided, single submitter. Criteria: Invitae Variant Classification Sherloc (09022015). Collection method: clinical testing. Allele origin: germline.
Comment: For these reasons, this variant has been classified as Pathogenic. ClinVar contains an entry for this variant (Variation ID: 1070343). This variant has not been reported in the literature in individuals affected with COL9A1-related conditions. This variant is not present in population databases (gnomAD no frequency). This sequence change creates a premature translational stop signal (p.Pro558*) in the COL9A1 gene. It is expected to result in an absent or disrupted protein product. Loss-of-function variants in COL9A1 are known to be pathogenic (PMID: 16909383, 21421862).

Literature cited by the submitters: PubMed 16909383; PubMed 21421862.